The following is an entry in ClinVar:

ClinVar aggregate classification (germline): Uncertain significance (1 of 4 stars; one submission).

Conditions:
RASopathy. Also called: rasopathies; Noonan spectrum disorder. Identifiers: Orphanet 536391, MedGen C5555857, MONDO:0021060.

Submission:

Labcorp Genetics (formerly Invitae), Labcorp
Classification: Uncertain significance for RASopathy. Last evaluated: 2025-07-02. Review status: criteria provided, single submitter. Criteria: Invitae Variant Classification Sherloc (09022015). Collection method: clinical testing. Allele origin: germline.
Comment: This sequence change replaces serine, which is neutral and polar, with cysteine, which is neutral and slightly polar, at codon 858 of the CBL protein (p.Ser858Cys). This variant is not present in population databases (gnomAD no frequency). This variant has not been reported in the literature in individuals affected with CBL-related conditions. ClinVar contains an entry for this variant (Variation ID: 2069282). Invitae Evidence Modeling of protein sequence and biophysical properties (such as structural, functional, and spatial information, amino acid conservation, physicochemical variation, residue mobility, and thermodynamic stability) indicates that this missense variant is not expected to disrupt CBL protein function with a negative predictive value of 95%. In summary, the available evidence is currently insufficient to determine the role of this variant in disease. Therefore, it has been classified as a Variant of Uncertain Significance.

NM_005188.4(CBL):c.2573C>G (p.Ser858Cys)

Gene: CBL (Cbl proto-oncogene; plus strand). Cytogenetic location: 11q23.3.
Variant type: single nucleotide variant.
Coding change: c.2573C>G on transcript NM_005188.4 (MANE Select); coding-DNA position 2573, C replaced by G.
Protein change: p.Ser858Cys; replaces serine 858 with cysteine.
Molecular consequence: missense variant.
Genome position (GRCh38, 1-based): chr11:119,299,633, C>G. VCF-style: chr11-119299633-C-G. GRCh37 (hg19) VCF-style: chr11-119170343-C-G.
Other names: short protein forms S858C.
Identifiers: ClinVar variation 2069282 (VCV002069282.4), dbSNP rs2135322201, ClinGen allele CA382932781.